The following is an entry in ClinVar:

ClinVar aggregate classification (germline): Uncertain significance (1 of 4 stars; one submission).

Conditions:
Neurofibromatosis, type 1 (NF1). Also called: Neurofibromatosis, type I; Peripheral type neurofibromatosis; VON RECKLINGHAUSEN DISEASE; NEUROFIBROMATOSIS, TYPE I, SOMATIC. Identifiers: Orphanet 636, MedGen C0027831, MONDO:0018975, OMIM 162200. Disease mechanism: loss of function.

Submission:

Labcorp Genetics (formerly Invitae), Labcorp
Classification: Uncertain significance for Neurofibromatosis, type 1. Last evaluated: 2019-11-07. Review status: criteria provided, single submitter. Criteria: Invitae Variant Classification Sherloc (09022015). Collection method: clinical testing. Allele origin: germline.
Comment: In summary, the available evidence is currently insufficient to determine the role of this variant in disease. Therefore, it has been classified as a Variant of Uncertain Significance. Algorithms developed to predict the effect of missense changes on protein structure and function are either unavailable or do not agree on the potential impact of this missense change (SIFT: "Deleterious"; PolyPhen-2: "Probably Damaging"; Align-GVGD: "Class C0"). This variant has not been reported in the literature in individuals with NF1-related conditions. This variant is not present in population databases (ExAC no frequency). This sequence change replaces asparagine with lysine at codon 1854 of the NF1 protein (p.Asn1854Lys). The asparagine residue is moderately conserved and there is a moderate physicochemical difference between asparagine and lysine.

NM_001042492.3(NF1):c.5625T>A (p.Asn1875Lys)

Gene: NF1 (neurofibromin 1; plus strand). Cytogenetic location: 17q11.2.
Variant type: single nucleotide variant.
Coding change: c.5625T>A on transcript NM_001042492.3 (MANE Select); coding-DNA position 5625, T replaced by A.
Protein change: p.Asn1875Lys; replaces asparagine 1875 with lysine.
Molecular consequence: missense variant.
Genome position (GRCh38, 1-based): chr17:31,330,311, T>A. VCF-style: chr17-31330311-T-A. GRCh37 (hg19) VCF-style: chr17-29657329-T-A.
Other names: c.5562T>A, p.Asn1854Lys (NM_000267.4); short protein forms N1854K, N1875K.
Identifiers: ClinVar variation 964566 (VCV000964566.6), dbSNP rs1275173622, ClinGen allele CA399010122.